The following is an entry in ClinVar:

NM_058179.4(PSAT1):c.106G>C (p.Gly36Arg)

Gene: PSAT1 (phosphoserine aminotransferase 1; plus strand). Cytogenetic location: 9q21.2.
Variant type: single nucleotide variant.
Coding change: c.106G>C on transcript NM_058179.4 (MANE Select); coding-DNA position 106, G replaced by C.
Protein change: p.Gly36Arg; replaces glycine 36 with arginine.
Molecular consequence: missense variant.
Genome position (GRCh38, 1-based): chr9:78,300,647, G>C. VCF-style: chr9-78300647-G-C. GRCh37 (hg19) VCF-style: chr9-80915563-G-C.
Other names: c.106G>C, p.Gly36Arg (NM_021154.5); short protein forms G36R.
Identifiers: ClinVar variation 976976 (VCV000976976.8), dbSNP rs367577346, ClinGen allele CA5095504.

ClinVar aggregate classification (germline): Uncertain significance. Review status: criteria provided, single submitter (1 of 4 stars). 2 submissions from 2 submitters: Uncertain significance (1). 1 of the submissions does not count toward it. Last evaluated 2022-09-01.

Conditions:
Neu-Laxova syndrome 2. Identifiers: Orphanet 2671, Orphanet 583602, MedGen C4015019, MONDO:0014466, OMIM 616038.

Allele frequency attached by ClinVar (database versions not stated): ExAC 0.00003; gnomAD exomes 0.00003 and 0.00006; gnomAD 0.00005 and 0.00027; ESP Exome Variant Server 0.00008; TOPMed 0.00037.
gnomAD v4.1: 120 of 1,605,002 alleles (0.0075%); highest among the groups gnomAD compares: Non-Finnish European, 0.0071%; 2 homozygotes.

Submissions (2):

Labcorp Genetics (formerly Invitae), Labcorp
Classification: Uncertain significance for Neu-Laxova syndrome 2. Last evaluated: 2022-09-01. Review status: criteria provided, single submitter. Criteria: Invitae Variant Classification Sherloc (09022015). Collection method: clinical testing. Allele origin: germline.
Comment: This sequence change replaces glycine, which is neutral and non-polar, with arginine, which is basic and polar, at codon 36 of the PSAT1 protein (p.Gly36Arg). This variant is present in population databases (rs367577346, gnomAD 0.008%). This variant has not been reported in the literature in individuals affected with PSAT1-related conditions. ClinVar contains an entry for this variant (Variation ID: 976976). Algorithms developed to predict the effect of missense changes on protein structure and function are either unavailable or do not agree on the potential impact of this missense change (SIFT: "Deleterious"; PolyPhen-2: "Probably Damaging"; Align-GVGD: "Class C15"). Experimental studies have shown that this missense change does not substantially affect PSAT1 function (PMID: 32077105). In summary, the available evidence is currently insufficient to determine the role of this variant in disease. Therefore, it has been classified as a Variant of Uncertain Significance.

Dudley Research Group, Pacific Northwest Research Institute
No classification provided. Review status: no classification provided. Collection method: research, in vivo. Allele origin: unknown, not applicable. Functional consequence: functionally_normal. Not counted in ClinVar's aggregate classification.

Literature cited by the submitters: PubMed 32077105 (cited by Labcorp Genetics (formerly Invitae), Labcorp).